The following is an entry in ClinVar:

ClinVar aggregate classification (germline): Uncertain significance. Review status: criteria provided, multiple submitters, no conflicts (2 of 4 stars). 3 submissions from 3 submitters: Uncertain significance (3). Last evaluated 2024-06-22.

Conditions:
Epidermodysplasia verruciformis. Identifiers: Orphanet 302, MedGen C0014522, MONDO:0009176.
Inborn genetic diseases. Identifiers: MedGen C0950123, MeSH D030342.

Allele frequency attached by ClinVar (database versions not stated): gnomAD exomes 0.00005; gnomAD 0.00006; TOPMed 0.00002.
gnomAD v4.1: 80 of 1,613,512 alleles (0.005%); highest among the groups gnomAD compares: Middle Eastern, 0.033%; 1 homozygote.

Submissions (3):

Labcorp Genetics (formerly Invitae), Labcorp
Classification: Uncertain significance for Epidermodysplasia verruciformis. Last evaluated: 2024-06-22. Review status: criteria provided, single submitter. Criteria: Invitae Variant Classification Sherloc (09022015). Collection method: clinical testing. Allele origin: germline.
Comment: This sequence change replaces glutamic acid, which is acidic and polar, with aspartic acid, which is acidic and polar, at codon 760 of the TMC6 protein (p.Glu760Asp). This variant is present in population databases (rs748630526, gnomAD 0.02%). This variant has not been reported in the literature in individuals affected with TMC6-related conditions. ClinVar contains an entry for this variant (Variation ID: 641694). An algorithm developed to predict the effect of missense changes on protein structure and function (PolyPhen-2) suggests that this variant is likely to be disruptive. In summary, the available evidence is currently insufficient to determine the role of this variant in disease. Therefore, it has been classified as a Variant of Uncertain Significance.

Ambry Genetics
Classification: Uncertain significance for Inborn genetic diseases. Last evaluated: 2024-05-09. Review status: criteria provided, single submitter. Criteria: Ambry Variant Classification Scheme 2023. Collection method: clinical testing. Allele origin: germline.

Breakthrough Genomics
Classification: Uncertain significance. Review status: criteria provided, single submitter. Criteria: ACMG Guidelines, 2015. Collection method: not provided. Allele origin: germline. Inheritance: Autosomal recessive inheritance. Affected: yes.

NM_001127198.5(TMC6):c.2280G>C (p.Glu760Asp)

Gene: TMC6 (transmembrane channel like 6; minus strand). Cytogenetic location: 17q25.3.
Variant type: single nucleotide variant.
Coding change: c.2280G>C on transcript NM_001127198.5 (MANE Select); coding-DNA position 2280, G replaced by C.
Protein change: p.Glu760Asp; replaces glutamic acid 760 with aspartic acid.
Molecular consequence: missense variant. On other transcripts: non-coding transcript variant (4).
Genome position (GRCh38, 1-based): chr17:78,113,622, C>G on the plus strand (G>C on the coding strand, the complement: TMC6 is on the minus strand). VCF-style: chr17-78113622-C-G. GRCh37 (hg19) VCF-style: chr17-76109703-C-G.
Other names: c.2280G>C, p.Glu760Asp (NM_001321185.1, NM_001374596.1, NM_001375353.1 and 2 more transcripts); c.2100G>C, p.Glu700Asp (NM_001374593.1, NM_001374594.1); c.2280G>C (NM_007267.6); short protein forms E760D, E700D.
Identifiers: ClinVar variation 641694 (VCV000641694.10), dbSNP rs748630526, ClinGen allele CA8795330.